The following is an entry in ClinVar:

ClinVar aggregate classification (germline): Benign/Likely benign. Review status: criteria provided, multiple submitters, no conflicts (2 of 4 stars). 4 submissions from 4 submitters: Benign (2); Likely benign (1). 1 of the submissions does not count toward it. Last evaluated 2024-05-21.

Conditions:
MCM2-related disorder. Also called: MCM2-related condition.

Allele frequency attached by ClinVar (database versions not stated): gnomAD 0.00012 and 0.00017; gnomAD exomes 0.00015 and 0.00066; TOPMed 0.00028; 1000 Genomes Project 0.00040; ExAC 0.00060; 1000 Genomes Project 30x 0.00062.
gnomAD v4.1: 236 of 1,614,192 alleles (0.015%); highest among the groups gnomAD compares: East Asian, 0.48%; 1 homozygote.

Submissions (4):

Labcorp Genetics (formerly Invitae), Labcorp
Classification: Benign. Last evaluated: 2024-05-21. Review status: criteria provided, single submitter. Criteria: Invitae Variant Classification Sherloc (09022015). Collection method: clinical testing. Allele origin: germline.

Blueprint Genetics
Classification: Likely benign. Last evaluated: 2024-01-23. Review status: criteria provided, single submitter. Criteria: ACMG Guidelines, 2015. Collection method: clinical testing. Allele origin: germline.

GeneDx
Classification: Benign. Last evaluated: 2020-10-29. Review status: criteria provided, single submitter. Criteria: GeneDx Variant Classification Process June 2021. Collection method: clinical testing. Allele origin: germline. Affected: yes.

PreventionGenetics, part of Exact Sciences
Classification: Likely benign for MCM2-related condition. Last evaluated: 2024-01-02. Review status: no assertion criteria provided. Collection method: clinical testing. Allele origin: germline. Not counted in ClinVar's aggregate classification.
Comment: This variant is classified as likely benign based on ACMG/AMP sequence variant interpretation guidelines (Richards et al. 2015 PMID: 25741868, with internal and published modifications).

NM_004526.4(MCM2):c.2556G>A (p.Gly852=)

Genes: MCM2 (minichromosome maintenance complex component 2; plus strand), LOC107986126 (uncharacterized LOC107986126; minus strand). Cytogenetic location: 3q21.3.
Variant type: single nucleotide variant.
Coding change: c.2556G>A on transcript NM_004526.4 (MANE Select); coding-DNA position 2556, G replaced by A.
Protein change: p.Gly852=; no amino-acid change (glycine 852 retained).
Molecular consequence: synonymous variant. On other transcripts: non-coding transcript variant (1).
Genome position (GRCh38, 1-based): chr3:127,621,180, G>A. VCF-style: chr3-127621180-G-A. GRCh37 (hg19) VCF-style: chr3-127340023-G-A.
Identifiers: ClinVar variation 678974 (VCV000678974.13), dbSNP rs190121900, ClinGen allele CA2596285.
Genomic context (GRCh38, chr3:127,621,180, plus strand): 5'-GCTCTTCATACTGAAGCAGTTAGTGGCAGAGCAGGTGACATATCAGCGCAACCGCTTTGG[G>A]GCCCAGCAGGACACTATTGAGGTCCCTGAGAAGGACTTGGTGGATAAGGTATGGGCCCGG-3'
Protein context (NP_004517.2, residues 842-862): EQVTYQRNRF[Gly852=]AQQDTIEVPE